The following is an entry in ClinVar:

ClinVar aggregate classification (germline): Pathogenic/Likely pathogenic. Review status: criteria provided, multiple submitters, no conflicts (2 of 4 stars). 10 submissions from 10 submitters: Pathogenic (7); Likely pathogenic (2). 1 of the submissions does not count toward it. Last evaluated 2026-01-08.

Conditions:
Hereditary cancer-predisposing syndrome. Also called: Neoplastic Syndromes, Hereditary; Hereditary Cancer Syndrome; Tumor predisposition; Hereditary neoplastic syndrome. Identifiers: Orphanet 140162, MedGen C0027672, MeSH D009386, MONDO:0015356.
Familial cancer of breast. Also called: Hereditary breast cancer; hereditary breast carcinoma; BREAST CANCER, FAMILIAL. Identifiers: Orphanet 227535, MedGen C0346153, MONDO:0016419, OMIM 114480. Disease mechanism: loss of function.
Ataxia-telangiectasia syndrome (AT). Also called: Cerebello-oculocutaneous telangiectasia; Immunodeficiency with ataxia telangiectasia; Ataxia-telangiectasia, complementation group D; AT, COMPLEMENTATION GROUP C; Ataxia-telangiectasia, complementation group E; Ataxia-telangiectasia. Identifiers: Orphanet 100, MedGen C0004135, MONDO:0008840, OMIM 208900.

Allele frequency attached by ClinVar (database versions not stated): gnomAD exomes below 0.00001.
gnomAD v4.1: 1 of 1,612,362 alleles (0.000062%); highest among the groups gnomAD compares: Non-Finnish European, 0.000085%; no homozygotes.

Submissions (10):

Labcorp Genetics (formerly Invitae), Labcorp
Classification: Pathogenic for Ataxia-telangiectasia syndrome. Last evaluated: 2026-01-08. Review status: criteria provided, single submitter. Criteria: Invitae Variant Classification Sherloc (09022015). Collection method: clinical testing. Allele origin: germline.
Comment: This sequence change creates a premature translational stop signal (p.Gln1579*) in the ATM gene. It is expected to result in an absent or disrupted protein product. Loss-of-function variants in ATM are known to be pathogenic (PMID: 23807571, 25614872). This variant is not present in population databases (gnomAD no frequency). This premature translational stop signal has been observed in individual(s) with breast cancer and ataxia telangiectasia (PMID: 25037873, 26845104). ClinVar contains an entry for this variant (Variation ID: 224518). Algorithms developed to predict the effect of sequence changes on RNA splicing suggest that this variant may disrupt the consensus splice site. For these reasons, this variant has been classified as Pathogenic.

Ambry Genetics
Classification: Pathogenic for Hereditary cancer-predisposing syndrome. Last evaluated: 2025-07-03. Review status: criteria provided, single submitter. Criteria: Ambry Variant Classification Scheme 2023. Collection method: clinical testing. Allele origin: germline.
Comment: The p.Q1579* pathogenic mutation (also known as c.4735C>T), located in coding exon 30 of the ATM gene, results from a C to T substitution at nucleotide position 4735. This changes the amino acid from a glutamine to a stop codon within coding exon 30. This variant has been identified in the homozygous state and/or in conjunction with other ATM variant(s) in individual(s) with features consistent with ataxia-telangiectasia (A-T) (Hoche F et al. Pediatr. Neurol. 2014 Sep;51:297-310). It was also identified in a patient with a personal history of breast cancer and a family history of ovarian cancer (Shirts BH et al. Genet. Med. 2016 Oct;18:974-81). This variant is considered to be rare based on population cohorts in the Genome Aggregation Database (gnomAD). In addition to the clinical data presented in the literature, this alteration is expected to result in loss of function by premature protein truncation or nonsense-mediated mRNA decay. As such, this alteration is interpreted as a disease-causing mutation.

Myriad Genetics, Inc.
Classification: Pathogenic for Familial cancer of breast. Last evaluated: 2024-01-24. Review status: criteria provided, single submitter. Criteria: Myriad Autosomal Dominant, Autosomal Recessive and X-Linked Classification Criteria (2023). Collection method: clinical testing. Allele origin: unknown.
Comment: This variant is considered pathogenic. This variant creates a termination codon and is predicted to result in premature protein truncation.

Color Diagnostics, LLC DBA Color Health
Classification: Pathogenic for Hereditary cancer-predisposing syndrome. Last evaluated: 2020-10-27. Review status: criteria provided, single submitter. Criteria: ACMG Guidelines, 2015. Collection method: clinical testing. Allele origin: germline.
Comment: This variant changes 1 nucleotide in exon 31 of the ATM gene, creating a premature translation stop signal. This variant is expected to result in an absent or non-functional protein product. This variant has been reported in an individual affected with breast cancer (PMID: 26845104) and in the compound heterozygous state with a second ATM mutation in an individual affected with ataxia telangiectasia (PMID: 25037873). This variant has not been identified in the general population by the Genome Aggregation Database (gnomAD). Loss of ATM function is a known mechanism of disease. Based on the available evidence, this variant is classified as Pathogenic.

Revvity Omics, Revvity
Classification: Pathogenic for Ataxia-telangiectasia syndrome. Last evaluated: 2019-02-25. Review status: criteria provided, single submitter. Criteria: ACMG Guidelines, 2015. Collection method: clinical testing. Allele origin: germline.

CeGaT Center for Human Genetics Tuebingen
Classification: Likely pathogenic. Last evaluated: 2017-11-01. Review status: criteria provided, single submitter. Criteria: CeGaT Center For Human Genetics Tuebingen Variant Classification Criteria Version 2. Collection method: clinical testing. Allele origin: germline. Affected: yes. Observed: 2 variant alleles.

Baylor Genetics
Classification: Pathogenic for Ataxia-telangiectasia syndrome. Last evaluated: 2017-09-01. Review status: criteria provided, single submitter. Criteria: ACMG Guidelines, 2015. Collection method: clinical testing. Allele origin: maternal. Inheritance: Autosomal recessive inheritance. Affected: yes.
Comment: This nonsense mutation is categorized as deleterious according to ACMG guidelines (PMID:18414213). It was found twice in our laboratory in trans with a deleterious frameshift mutation in a set of affected siblings.

GeneDx
Classification: Pathogenic. Last evaluated: 2017-08-25. Review status: criteria provided, single submitter. Criteria: GeneDx Variant Classification (06012015). Collection method: clinical testing. Allele origin: germline. Affected: yes.
Comment: This variant is denoted ATM c.4735C>T at the cDNA level and p.Gln1579Ter (Q1579X) at the protein level. The substitution creates a nonsense variant, which changes a Glutamine to a premature stop codon (CAA>TAA), and is predicted to cause loss of normal protein function through either protein truncation or nonsense-mediated mRNA decay. We consider this variant to be pathogenic.

University of Washington Department of Laboratory Medicine, University of Washington
Classification: Likely pathogenic for Hereditary cancer-predisposing syndrome. Last evaluated: 2015-11-20. Review status: criteria provided, single submitter. Criteria: Shirts et al. (Genet Med 2016). Collection method: clinical testing. Allele origin: germline. Affected: yes. Observed: 1 variant allele.

Counsyl
Classification: Likely pathogenic for Ataxia-telangiectasia syndrome. Last evaluated: 2016-12-14. Review status: no assertion criteria provided. Collection method: clinical testing. Allele origin: unknown. Not counted in ClinVar's aggregate classification.

Literature cited by the submitters: PubMed 23807571 (cited by Labcorp Genetics (formerly Invitae), Labcorp); PubMed 25614872 (cited by Labcorp Genetics (formerly Invitae), Labcorp); PubMed 25037873 (cited by 3 submitters); PubMed 26845104 (cited by Labcorp Genetics (formerly Invitae), Labcorp and Ambry Genetics); PubMed 20153123 (cited by Ambry Genetics); PubMed 25326635 (cited by Baylor Genetics).

NM_000051.4(ATM):c.4735C>T (p.Gln1579Ter)

Gene: ATM (ATM serine/threonine kinase; plus strand). Cytogenetic location: 11q22.3.
Variant type: single nucleotide variant.
Coding change: c.4735C>T on transcript NM_000051.4 (MANE Select); coding-DNA position 4735, C replaced by T.
Protein change: p.Gln1579Ter; replaces glutamine 1579 with a stop codon.
Molecular consequence: nonsense.
Genome position (GRCh38, 1-based): chr11:108,293,436, C>T. VCF-style: chr11-108293436-C-T. GRCh37 (hg19) VCF-style: chr11-108164163-C-T.
Other names: c.4735C>T, p.Gln1579Ter (NM_001351834.2); short protein forms Q1579*.
Identifiers: ClinVar variation 224518 (VCV000224518.69), dbSNP rs869312755, ClinGen allele CA353545.